The following is an entry in ClinVar:

NM_133510.4(RAD51B):c.559G>A (p.Glu187Lys)

Gene: RAD51B (RAD51 paralog B; plus strand). Cytogenetic location: 14q24.1.
Variant type: single nucleotide variant.
Coding change: c.559G>A on transcript NM_133510.4 (MANE Select); coding-DNA position 559, G replaced by A.
Protein change: p.Glu187Lys; replaces glutamic acid 187 with lysine.
Molecular consequence: missense variant.
Genome position (GRCh38, 1-based): chr14:67,885,975, G>A. VCF-style: chr14-67885975-G-A. GRCh37 (hg19) VCF-style: chr14-68352692-G-A.
Other names: c.559G>A, p.Glu187Lys (NM_001321809.2, NM_001321810.2, NM_001321812.1 and 6 more transcripts); c.445G>A, p.Glu149Lys (NM_001321815.1); c.202G>A, p.Glu68Lys (NM_001321817.2); short protein forms E68K, E149K, E187K.
Identifiers: ClinVar variation 3786425 (VCV003786425.1).

ClinVar aggregate classification (germline): Uncertain significance (1 of 4 stars; one submission).

gnomAD v4.1: 2 of 1,598,652 alleles (0.00013%); highest among the groups gnomAD compares: South Asian, 0.0011%; no homozygotes.

Submission:

Ambry Genetics
Classification: Uncertain significance. Last evaluated: 2025-01-20. Review status: criteria provided, single submitter. Criteria: Ambry Variant Classification Scheme 2023. Collection method: clinical testing. Allele origin: germline.
Comment: The p.E187K variant (also known as c.559G>A), located in coding exon 5 of the RAD51B gene, results from a G to A substitution at nucleotide position 559. The glutamic acid at codon 187 is replaced by lysine, an amino acid with similar properties. This amino acid position is conserved. In addition, this alteration is predicted to be tolerated by in silico analysis. Based on the available evidence, the clinical significance of this variant remains unclear.